The following is an entry in ClinVar:

ClinVar aggregate classification (germline): Uncertain significance (1 of 4 stars; one submission).

Conditions:
Glutamate formiminotransferase deficiency. Also called: Arakawa syndrome 1; Formiminoglutamic aciduria. Identifiers: Orphanet 51208, MedGen C0268609, MONDO:0009240, OMIM 229100.

Allele frequency attached by ClinVar (database versions not stated): ExAC 0.00001; gnomAD exomes 0.00001; TOPMed 0.00003; gnomAD 0.00004 and 0.00005; 1000 Genomes Project 0.00020; 1000 Genomes Project 30x 0.00031.
gnomAD v4.1: 25 of 1,612,874 alleles (0.0016%); highest among the groups gnomAD compares: African/African-American, 0.0093%; no homozygotes.

Submission:

Labcorp Genetics (formerly Invitae), Labcorp
Classification: Uncertain significance for Glutamate formiminotransferase deficiency. Last evaluated: 2022-07-12. Review status: criteria provided, single submitter. Criteria: Invitae Variant Classification Sherloc (09022015). Collection method: clinical testing. Allele origin: germline.
Comment: This sequence change replaces serine, which is neutral and polar, with leucine, which is neutral and non-polar, at codon 12 of the FTCD protein (p.Ser12Leu). This variant is present in population databases (rs201753824, gnomAD 0.008%). This variant has not been reported in the literature in individuals affected with FTCD-related conditions. ClinVar contains an entry for this variant (Variation ID: 529459). Algorithms developed to predict the effect of missense changes on protein structure and function output the following: SIFT: "Deleterious"; PolyPhen-2: "Probably Damaging"; Align-GVGD: "Class C65". The leucine amino acid residue is found in multiple mammalian species, which suggests that this missense change does not adversely affect protein function. In summary, the available evidence is currently insufficient to determine the role of this variant in disease. Therefore, it has been classified as a Variant of Uncertain Significance.

NM_206965.2(FTCD):c.35C>T (p.Ser12Leu)

Gene: FTCD (formimidoyltransferase cyclodeaminase; minus strand). Cytogenetic location: 21q22.3.
Variant type: single nucleotide variant.
Coding change: c.35C>T on transcript NM_206965.2 (MANE Select); coding-DNA position 35, C replaced by T.
Protein change: p.Ser12Leu; replaces serine 12 with leucine.
Molecular consequence: missense variant.
Genome position (GRCh38, 1-based): chr21:46,155,489, G>A on the plus strand (C>T on the coding strand, the complement: FTCD is on the minus strand). VCF-style: chr21-46155489-G-A. GRCh37 (hg19) VCF-style: chr21-47575403-G-A.
Other names: c.35C>T, p.Ser12Leu (NM_001320412.2, NM_006657.3); short protein forms S12L.
Identifiers: ClinVar variation 529459 (VCV000529459.11), dbSNP rs201753824, ClinGen allele CA10074105.